The following is an entry in ClinVar:

NM_130384.3(ATRIP):c.845G>A (p.Ser282Asn)

Genes: ATRIP (ATR interacting protein; plus strand), ATRIP-TREX1 (ATRIP-TREX1 readthrough; plus strand). Cytogenetic location: 3p21.31.
Variant type: single nucleotide variant.
Coding change: c.845G>A on transcript NM_130384.3 (MANE Select); coding-DNA position 845, G replaced by A.
Protein change: p.Ser282Asn; replaces serine 282 with asparagine.
Molecular consequence: missense variant. On other transcripts: non-coding transcript variant (1).
Genome position (GRCh38, 1-based): chr3:48,459,374, G>A. VCF-style: chr3-48459374-G-A. GRCh37 (hg19) VCF-style: chr3-48500773-G-A.
Other names: c.464G>A, p.Ser155Asn (NM_001271022.2); c.566G>A, p.Ser189Asn (NM_001271023.2); c.845G>A, p.Ser282Asn (NM_032166.4); short protein forms S155N, S189N, S282N.
Identifiers: ClinVar variation 4644530 (VCV004644530.1).

ClinVar aggregate classification (germline): Uncertain significance (1 of 4 stars; one submission).

Submission:

Ambry Genetics
Classification: Uncertain significance. Last evaluated: 2025-10-06. Review status: criteria provided, single submitter. Criteria: Ambry Variant Classification Scheme 2023. Collection method: clinical testing. Allele origin: germline.
Comment: The p.S282N variant (also known as c.845G>A), located in coding exon 6 of the ATRIP gene, results from a G to A substitution at nucleotide position 845. The serine at codon 282 is replaced by asparagine, an amino acid with highly similar properties. This amino acid position is conserved. In addition, this alteration is predicted to be tolerated by in silico analysis. Based on the available evidence, the clinical significance of this variant remains unclear.